The following is an entry in ClinVar:

ClinVar aggregate classification (germline): Uncertain significance (1 of 4 stars; one submission).

Submission:

Labcorp Genetics (formerly Invitae), Labcorp
Classification: Uncertain significance. Last evaluated: 2023-09-25. Review status: criteria provided, single submitter. Criteria: Invitae Variant Classification Sherloc (09022015). Collection method: clinical testing. Allele origin: germline.
Comment: This sequence change replaces alanine, which is neutral and non-polar, with valine, which is neutral and non-polar, at codon 1322 of the CACNA1D protein (p.Ala1322Val). This variant is not present in population databases (gnomAD no frequency). This variant has not been reported in the literature in individuals affected with CACNA1D-related conditions. An algorithm developed to predict the effect of missense changes on protein structure and function (PolyPhen-2) suggests that this variant is likely to be tolerated. In summary, the available evidence is currently insufficient to determine the role of this variant in disease. Therefore, it has been classified as a Variant of Uncertain Significance.

NM_001128840.3(CACNA1D):c.3905C>T (p.Ala1302Val)

Gene: CACNA1D (calcium voltage-gated channel subunit alpha1 D; plus strand). Cytogenetic location: 3p21.1.
Variant type: single nucleotide variant.
Coding change: c.3905C>T on transcript NM_001128840.3 (MANE Select); coding-DNA position 3905, C replaced by T.
Protein change: p.Ala1302Val; replaces alanine 1302 with valine.
Molecular consequence: missense variant. On other transcripts: intron variant (1).
Genome position (GRCh38, 1-based): chr3:53,770,007, C>T. VCF-style: chr3-53770007-C-T. GRCh37 (hg19) VCF-style: chr3-53804034-C-T.
Other names: c.3965C>T, p.Ala1322Val (NM_000720.4); c.3871-417C>T (NM_001128839.3); short protein forms A1302V, A1322V.
Identifiers: ClinVar variation 2763231 (VCV002763231.3), dbSNP rs2474183070, ClinGen allele CA353257280.
Genomic context (GRCh38, chr3:53,770,007, plus strand): 5'-CATTTTCAATCTTTGATTTCTTAAAGCCAACTGAAAGTGAAAATGTCCCTGTCCCAACTG[C>T]TACACCTGGGGTAAGATCAGTGACTAGTCCCCAGGGGCTGGGCCTTTTCCTTAAGTTTAT-3'
Protein context (NP_001122312.1, residues 1292-1312): TESENVPVPT[Ala1302Val]TPGNSEESNR